The following is an entry in ClinVar:

ClinVar aggregate classification (germline): Uncertain significance. Review status: criteria provided, single submitter (1 of 4 stars). 2 submissions from 2 submitters: Uncertain significance (1). 1 of the submissions does not count toward it. Last evaluated 2022-06-08.

Conditions:
GALNT2-related disorder. Also called: GALNT2-related condition.

Allele frequency attached by ClinVar (database versions not stated): ExAC 0.00010; ESP Exome Variant Server 0.00015; gnomAD 0.00015; TOPMed 0.00015; gnomAD exomes 0.00029.
gnomAD v4.1: 443 of 1,612,146 alleles (0.027%); highest among the groups gnomAD compares: Admixed American, 0.045%; 1 homozygote.

Submissions (2):

Labcorp Genetics (formerly Invitae), Labcorp
Classification: Uncertain significance. Last evaluated: 2022-06-08. Review status: criteria provided, single submitter. Criteria: Invitae Variant Classification Sherloc (09022015). Collection method: clinical testing. Allele origin: germline.
Comment: This sequence change affects codon 272 of the GALNT2 mRNA. It is a 'silent' change, meaning that it does not change the encoded amino acid sequence of the GALNT2 protein. It affects a nucleotide within the consensus splice site. This variant is present in population databases (rs142736956, gnomAD 0.05%). This variant has not been reported in the literature in individuals affected with GALNT2-related conditions. Algorithms developed to predict the effect of sequence changes on RNA splicing suggest that this variant may create or strengthen a splice site. In summary, the available evidence is currently insufficient to determine the role of this variant in disease. Therefore, it has been classified as a Variant of Uncertain Significance.

PreventionGenetics, part of Exact Sciences
Classification: Likely benign for GALNT2-related condition. Last evaluated: 2019-03-04. Review status: no assertion criteria provided. Collection method: clinical testing. Allele origin: germline. Not counted in ClinVar's aggregate classification.
Comment: This variant is classified as likely benign based on ACMG/AMP sequence variant interpretation guidelines (Richards et al. 2015 PMID: 25741868, with internal and published modifications).

NM_004481.5(GALNT2):c.816C>T (p.Gly272=)

Gene: GALNT2 (polypeptide N-acetylgalactosaminyltransferase 2; plus strand). Cytogenetic location: 1q42.13.
Variant type: single nucleotide variant.
Coding change: c.816C>T on transcript NM_004481.5 (MANE Select); coding-DNA position 816, C replaced by T.
Protein change: p.Gly272=; no amino-acid change (glycine 272 retained).
Molecular consequence: synonymous variant.
Genome position (GRCh38, 1-based): chr1:230,246,149, C>T. VCF-style: chr1-230246149-C-T. GRCh37 (hg19) VCF-style: chr1-230381895-C-T.
Other names: c.702C>T, p.Gly234= (NM_001291866.2); c.816C>T (NM_004481.4).
Identifiers: ClinVar variation 2079409 (VCV002079409.3), dbSNP rs142736956, ClinGen allele CA1446288.
Genomic context (GRCh38, chr1:230,246,149, plus strand): 5'-CATCGATGTCATTAATATGGACAACTTTCAGTATGTGGGGGCATCTGCTGACTTGAAGGG[C>T]GGTAGGTGTCTGTCATGGTGCCCCTGCCTAGCTCGTCCCGTCTACACCAGCATCTGATCA-3'
Protein context (NP_004472.1, residues 262-282): QYVGASADLK[Gly272=]GFDWNLVFKW